The following is an entry in ClinVar:

ClinVar aggregate classification (germline): Pathogenic/Likely pathogenic. Review status: criteria provided, multiple submitters, no conflicts (2 of 4 stars). 2 submissions from 2 submitters: Pathogenic (1); Likely pathogenic (1). Last evaluated 2024-12-16.

Conditions:
Intellectual disability. Also called: Intellectual functioning disability; intellectual disabilities; Intellectual developmental disorder. Identifiers: MedGen C3714756, MeSH D008607, MONDO:0001071, HP:0001249.
Intellectual disability-microcephaly-strabismus-behavioral abnormalities syndrome. Also called: White-Sutton Syndrome. Identifiers: Orphanet 468678, MedGen C4225351, MONDO:0014606, OMIM 616364.

Submissions (2):

Institute of Human Genetics, University of Leipzig Medical Center
Classification: Pathogenic for Intellectual disability-microcephaly-strabismus-behavioral abnormalities syndrome. Last evaluated: 2024-12-16. Review status: criteria provided, single submitter. Criteria: ACMG Guidelines, 2015. Collection method: clinical testing. Allele origin: unknown. Inheritance: Autosomal dominant inheritance. Affected: yes.
Comment: Criteria applied: PVS1,PS4_SUP,PM2

Cambridge Genomics Laboratory, East Genomic Laboratory Hub, NHS Genomic Medicine Service
Classification: Likely pathogenic for Intellectual disability. Last evaluated: 2019-04-17. Review status: criteria provided, single submitter. Criteria: ACGS Best Practice Guidelines for Variant Classification in Rare Disease 2020. Collection method: clinical testing. Allele origin: germline. Affected: yes. Observed: 1 variant allele.

NM_015100.4(POGZ):c.1679-2A>G

Gene: POGZ (pogo transposable element derived with ZNF domain; minus strand). Cytogenetic location: 1q21.3.
Variant type: single nucleotide variant.
Coding change: c.1679-2A>G on transcript NM_015100.4 (MANE Select); the canonical splice acceptor site of the intron before coding-DNA position 1679, A replaced by G.
Molecular consequence: splice acceptor variant.
Genome position (GRCh38, 1-based): chr1:151,412,398, T>C on the plus strand (A>G on the coding strand, the complement: POGZ is on the minus strand). VCF-style: chr1-151412398-T-C. GRCh37 (hg19) VCF-style: chr1-151384874-T-C.
Other names: c.1493-2A>G (NM_001194938.2); c.1394-2A>G (NM_145796.4); c.1652-2A>G (NM_001194937.2); c.1700-2A>G (NM_001410860.1); c.1520-2A>G (NM_207171.2).
Identifiers: ClinVar variation 3359010 (VCV003359010.4).
Genomic context (GRCh38, chr1:151,412,398, plus strand): 5'-CATATGCTGGAGAAATAGTGGCTCACTTTCAAACGCCCATTCACAGATCTTGCACTTGGC[T>C]GTAAGAAGAAAAGTAATCAATAAATCCACTTGAAAATAAGACAAAAGTCCTGCTGACTCA-3'